The following is an entry in ClinVar:

ClinVar aggregate classification (germline): Uncertain significance (1 of 4 stars; one submission).

Conditions:
Melanoma, cutaneous malignant, susceptibility to, 5. Also called: Cutaneous malignant melanoma 5. Identifiers: Orphanet 618, MedGen C2751295, MONDO:0013133, OMIM 613099.

Submission:

Labcorp Genetics (formerly Invitae), Labcorp
Classification: Uncertain significance for Melanoma, cutaneous malignant, susceptibility to, 5. Last evaluated: 2023-08-30. Review status: criteria provided, single submitter. Criteria: Invitae Variant Classification Sherloc (09022015). Collection method: clinical testing. Allele origin: germline.
Comment: In summary, the available evidence is currently insufficient to determine the role of this variant in disease. Therefore, it has been classified as a Variant of Uncertain Significance. Experimental studies and prediction algorithms are not available or were not evaluated, and the effect of this variant on mRNA splicing is currently unknown. This variant has been observed in individual(s) with melanoma (PMID: 24982914). This variant is not present in population databases (gnomAD no frequency). This sequence change affects codon 122 of the MC1R mRNA. It is a 'silent' change, meaning that it does not change the encoded amino acid sequence of the MC1R protein.

Literature cited by the submitters: PubMed 24982914.

NM_002386.4(MC1R):c.366G>C (p.Val122=)

Gene: MC1R (melanocortin 1 receptor; plus strand). Cytogenetic location: 16q24.3.
Variant type: single nucleotide variant.
Coding change: c.366G>C on transcript NM_002386.4 (MANE Select); coding-DNA position 366, G replaced by C.
Protein change: p.Val122=; no amino-acid change (valine 122 retained).
Molecular consequence: synonymous variant.
Genome position (GRCh38, 1-based): chr16:89,919,624, G>C. VCF-style: chr16-89919624-G-C. GRCh37 (hg19) VCF-style: chr16-89986032-G-C.
Identifiers: ClinVar variation 2756440 (VCV002756440.3), dbSNP rs372353477, ClinGen allele CA497380537.